The following is an entry in ClinVar:

ClinVar aggregate classification (germline): Uncertain significance (1 of 4 stars; one submission).

Conditions:
Pontocerebellar hypoplasia type 2D (PCH2D). Also called: Progressive cerebello-cerebral atrophy. Identifiers: Orphanet 247198, Orphanet 2524, MedGen C3151140, MONDO:0013438, OMIM 613811.

Submission:

Clinical Genetics Laboratory, Universite de Sherbrooke
Classification: Uncertain significance for Pontocerebellar hypoplasia type 2D. Last evaluated: 2021-03-01. Review status: criteria provided, single submitter. Criteria: ACMG Guidelines, 2015. Collection method: curation. Allele origin: germline. Affected: yes.
Comment: Reported in compound heterozygosity with SEPSECS c.1297T>C; p.Tyr433His in an affected individual with SEPSECS-related disease presenting with complex movement disorder and thin corpus callosum. Both variants were predicted to be deleterious by multiple in silico tools and were interpreted as pathogenic in the original report (PMID:35252561).

Literature cited by the submitters: PubMed 35252561.

NM_016955.4(SEPSECS):c.865C>T (p.Pro289Ser)

Gene: SEPSECS (Sep (O-phosphoserine) tRNA:Sec (selenocysteine) tRNA synthase; minus strand). Cytogenetic location: 4p15.2.
Variant type: single nucleotide variant.
Coding change: c.865C>T on transcript NM_016955.4 (MANE Select); coding-DNA position 865, C replaced by T.
Protein change: p.Pro289Ser; replaces proline 289 with serine.
Molecular consequence: missense variant.
Genome position (GRCh38, 1-based): chr4:25,145,073, G>A on the plus strand (C>T on the coding strand, the complement: SEPSECS is on the minus strand). VCF-style: chr4-25145073-G-A. GRCh37 (hg19) VCF-style: chr4-25146695-G-A.
Other names: p.P289S; p.Pro289Ser; c.1120C>T, p.Pro374Ser (NM_001410714.1); short protein forms P289S, P374S.
Identifiers: ClinVar variation 4884332 (VCV004884332.1).
Genomic context (GRCh38, chr4:25,145,073, plus strand): 5'-TCTTGCTGATTTCCTGAATGAATGAATCATTAAAGCCAGCAATTATAGCACCACCTACTG[G>A]AACCATAAAATTTTTGTCCAAGCTCTGAACAAAAGCATCTATTCTACCAACTCGAGCCCC-3'
Protein context (NP_058651.3, residues 279-299): VQSLDKNFMV[Pro289Ser]VGGAIIAGFN